The following is an entry in ClinVar:

NM_014630.3(ZNF592):c.183C>T (p.Pro61=)

Gene: ZNF592 (zinc finger protein 592; plus strand). Cytogenetic location: 15q25.3.
Variant type: single nucleotide variant.
Coding change: c.183C>T on transcript NM_014630.3 (MANE Select); coding-DNA position 183, C replaced by T.
Protein change: p.Pro61=; no amino-acid change (proline 61 retained).
Molecular consequence: synonymous variant.
Genome position (GRCh38, 1-based): chr15:84,782,858, C>T. VCF-style: chr15-84782858-C-T. GRCh37 (hg19) VCF-style: chr15-85326089-C-T.
Identifiers: ClinVar variation 2645649 (VCV002645649.24), dbSNP rs144989451, ClinGen allele CA7707951.

ClinVar aggregate classification (germline): Likely benign (1 of 4 stars; one submission).

Allele frequency attached by ClinVar (database versions not stated): ExAC 0.00080; gnomAD 0.00170; 1000 Genomes Project 0.00200; TOPMed 0.00200; 1000 Genomes Project 30x 0.00203; ESP Exome Variant Server 0.00231.
gnomAD v4.1: 1,571 of 1,614,084 alleles (0.097%); highest among the groups gnomAD compares: African/African-American, 0.34%; 6 homozygotes.

Submission:

CeGaT Center for Human Genetics Tuebingen
Classification: Likely benign. Last evaluated: 2022-07-01. Review status: criteria provided, single submitter. Criteria: CeGaT Center For Human Genetics Tuebingen Variant Classification Criteria Version 2. Collection method: clinical testing. Allele origin: germline. Affected: yes. Observed: 1 variant allele.
Comment: ZNF592: BP4, BP7